The following is an entry in ClinVar:

NM_000179.3(MSH6):c.1599G>C (p.Glu533Asp)

Gene: MSH6 (mutS homolog 6; plus strand). Cytogenetic location: 2p16.3.
Variant type: single nucleotide variant.
Coding change: c.1599G>C on transcript NM_000179.3 (MANE Select); coding-DNA position 1599, G replaced by C.
Protein change: p.Glu533Asp; replaces glutamic acid 533 with aspartic acid.
Molecular consequence: missense variant.
Genome position (GRCh38, 1-based): chr2:47,799,582, G>C. VCF-style: chr2-47799582-G-C. GRCh37 (hg19) VCF-style: chr2-48026721-G-C.
Other names: p.Glu533Asp; c.1209G>C, p.Glu403Asp (NM_001281492.2); c.693G>C, p.Glu231Asp (NM_001281493.2, NM_001281494.2); short protein forms E533D, E403D, E231D.
Identifiers: ClinVar variation 135830 (VCV000135830.35), dbSNP rs373726731, ClinGen allele CA008846.

ClinVar aggregate classification (germline): Conflicting classifications of pathogenicity. Review status: criteria provided, conflicting classifications (1 of 4 stars). 14 submissions from 14 submitters: Uncertain significance (10); Likely benign (3). 1 of the submissions does not count toward it. Last evaluated 2025-12-19.

Conditions:
Hereditary nonpolyposis colorectal neoplasms. Identifiers: MedGen C0009405, MeSH D003123.
Breast and/or ovarian cancer. Identifiers: MedGen CN221562.
Hereditary cancer-predisposing syndrome. Also called: Tumor predisposition; Hereditary neoplastic syndrome; Neoplastic Syndromes, Hereditary; Hereditary Cancer Syndrome. Identifiers: Orphanet 140162, MedGen C0027672, MeSH D009386, MONDO:0015356.
Lynch syndrome. Identifiers: Orphanet 144, MedGen C4552100, MONDO:0005835. Disease mechanism: loss of function.
Lynch syndrome 5 (LYNCH5). Also called: Colorectal cancer, hereditary nonpolyposis, type 5; Hereditary non-polyposis colorectal cancer, type 5. Identifiers: Orphanet 144, MedGen C1833477, MONDO:0013710, OMIM 614350. Disease mechanism: loss of function.
Endometrial carcinoma. Also called: Endometrial carcinoma, somatic. Identifiers: MedGen C0476089, MONDO:0002447, OMIM 608089, HP:0012114.

Allele frequency attached by ClinVar (database versions not stated): gnomAD 0.00001; TOPMed 0.00002; ESP Exome Variant Server 0.00008; ExAC 0.00002; gnomAD exomes 0.00002.
gnomAD v4.1: 8 of 1,614,042 alleles (0.0005%); highest among the groups gnomAD compares: Non-Finnish European, 0.00068%; no homozygotes.

Submissions (14):

Labcorp Genetics (formerly Invitae), Labcorp
Classification: Likely benign for Hereditary nonpolyposis colorectal neoplasms. Last evaluated: 2025-12-19. Review status: criteria provided, single submitter. Criteria: Invitae Variant Classification Sherloc (09022015). Collection method: clinical testing. Allele origin: germline.

Myriad Genetics, Inc.
Classification: Likely benign for Lynch syndrome 5. Last evaluated: 2024-12-27. Review status: criteria provided, single submitter. Criteria: Myriad Autosomal Dominant, Autosomal Recessive and X-Linked Classification Criteria (2023). Collection method: clinical testing. Allele origin: unknown.
Comment: This variant is considered likely benign. This variant is strongly associated with less severe personal and family histories of cancer, typical for individuals without pathogenic variants in this gene [PMID: 27363726].

Quest Diagnostics Nichols Institute San Juan Capistrano
Classification: Uncertain significance. Last evaluated: 2024-08-26. Review status: criteria provided, single submitter. Criteria: Quest Diagnostics criteria. Collection method: clinical testing. Allele origin: unknown.
Comment: The MSH6 c.1599G>C (p.Glu533Asp) variant has been reported in the published literature in individuals with a personal and/or family history of breast cancer (PMID: 29684080 (2018), 27153395 (2016), 26976419 (2016), 26845104 (2016), 26689913 (2015)), and in an individual with an unspecified cancer (PMID: 31391288 (2020)). The frequency of this variant in the general population, 0.000016 (4/251364 chromosomes (Genome Aggregation Database)), is uninformative in the assessment of its pathogenicity. Analysis of this variant using bioinformatics tools for the prediction of the effect of amino acid changes on protein structure and function yielded predictions that this variant is benign. Based on the available information, we are unable to determine the clinical significance of this variant.

Color Diagnostics, LLC DBA Color Health
Classification: Uncertain significance for Hereditary cancer-predisposing syndrome. Last evaluated: 2024-03-25. Review status: criteria provided, single submitter. Criteria: ACMG Guidelines, 2015. Collection method: clinical testing. Allele origin: germline.
Comment: This missense variant replaces glutamic acid with aspartic acid at codon 533 of the MSH6 protein. Computational prediction suggests that this variant may not impact protein structure and function (internally defined REVEL score threshold <= 0.5, PMID: 27666373). To our knowledge, functional studies have not been reported for this variant. This variant has been reported in individuals affected with breast cancer (PMID: 26845104, 26976419, 29684080), and in an individual affected with an unspecified cancer (PMID: 31391288). This variant has been identified in 4/251364 chromosomes in the general population by the Genome Aggregation Database (gnomAD). The available evidence is insufficient to determine the role of this variant in disease conclusively. Therefore, this variant is classified as a Variant of Uncertain Significance.

St. Jude Molecular Pathology, St. Jude Children's Research Hospital
Classification: Uncertain significance for Lynch syndrome 5. Last evaluated: 2024-03-08. Review status: criteria provided, single submitter. Criteria: St. Jude Assertion Criteria 2020. Collection method: clinical testing. Allele origin: germline.
Comment: The MSH6 c.1599G>C (p.Glu533Asp) missense change has a maximum subpopulation frequency of 0.006% in gnomAD v2.1.1. The in silico tool REVEL predicts a benign effect on protein function, but to our knowledge this prediction has not been confirmed by functional studies. To our knowledge, this variant has not been reported in individuals with Lynch syndrome or constitutional mismatch repair deficiency. In summary, the evidence currently available is insufficient to determine the clinical significance of this variant. It has therefore been classified as of uncertain significance.

Baylor Genetics
Classification: Uncertain significance for Endometrial carcinoma. Last evaluated: 2024-02-13. Review status: criteria provided, single submitter. Criteria: ACMG Guidelines, 2015. Collection method: clinical testing. Allele origin: unknown.

All of Us Research Program, National Institutes of Health
Classification: Uncertain significance for Lynch syndrome. Last evaluated: 2023-11-30. Review status: criteria provided, single submitter. Criteria: ACMG Guidelines, 2015. Collection method: clinical testing. Allele origin: germline. Inheritance: Autosomal dominant inheritance. Observed: 7 variant alleles, 7 heterozygotes.
Comment: This missense variant replaces glutamic acid with aspartic acid at codon 533 of the MSH6 protein. Computational prediction suggests that this variant may not impact protein structure and function (internally defined REVEL score threshold <= 0.5, PMID: 27666373). Splice site prediction tools suggest that this variant may not impact RNA splicing. To our knowledge, functional studies have not been reported for this variant. This variant has been reported in individuals affected with breast cancer (PMID: 26845104, 26976419), and an individual affected cancer exhibiting microsatellite instability (PMID: 31391288). This variant has been identified in 4/251364 chromosomes in the general population by the Genome Aggregation Database (gnomAD). The available evidence is insufficient to determine the role of this variant in disease conclusively. Therefore, this variant is classified as a Variant of Uncertain Significance.

This study involves interpretation of variants in research participants for the purpose of population health screening. Participant phenotype was not available at the time of variant classification. Additional details can be found in publication PMID: 35346344, PMCID: PMC8962531

Ambry Genetics
Classification: Likely benign for Hereditary cancer-predisposing syndrome. Last evaluated: 2023-11-18. Review status: criteria provided, single submitter. Criteria: Ambry Variant Classification Scheme 2023. Collection method: clinical testing. Allele origin: germline.

CHEO Genetics Diagnostic Laboratory, Children's Hospital of Eastern Ontario
Classification: Uncertain significance for Breast and/or ovarian cancer. Last evaluated: 2022-07-22. Review status: criteria provided, single submitter. Criteria: ACMG Guidelines, 2015. Collection method: clinical testing. Allele origin: germline.

Mayo Clinic Laboratories, Mayo Clinic
Classification: Uncertain significance. Last evaluated: 2022-04-27. Review status: criteria provided, single submitter. Criteria: ACMG Guidelines, 2015. Collection method: clinical testing. Allele origin: germline. Observed: 1 variant allele.
Comment: BP4

GeneDx
Classification: Uncertain significance. Last evaluated: 2022-02-23. Review status: criteria provided, single submitter. Criteria: GeneDx Variant Classification Process June 2021. Collection method: clinical testing. Allele origin: germline. Affected: yes.
Comment: Not observed at significant frequency in large population cohorts (gnomAD); In silico analysis supports that this missense variant does not alter protein structure/function; Observed in individuals with a personal or family history including breast, colon, and other cancers (Maxwell 2016, Shirts 2016, Tung 2016); This variant is associated with the following publications: (PMID: 26976419, 23621914, 22949387, 26845104, 27153395, 17531815, 21120944)

Women's Health and Genetics/Laboratory Corporation of America, LabCorp
Classification: Uncertain significance. Last evaluated: 2018-04-13. Review status: criteria provided, single submitter. Criteria: LabCorp Variant Classification Summary - May 2015. Collection method: clinical testing. Allele origin: germline.
Comment: Variant summary: MSH6 c.1599G>C (p.Glu533Asp) results in a conservative amino acid change in the encoded protein sequence. Four of five in-silico tools predict a benign effect of the variant on protein function. However, these predictions have yet to be functionally assessed. The variant was observed with an allele frequency of 2e-05 in 246116 control chromosomes (gnomAD). This frequency is not significantly higher than expected for a pathogenic variant in MSH6 causing Lynch Syndrome (2e-05 vs 0.00014), allowing no conclusion about variant significance. The variant, c.1599G>C, has been reported in the literature in individuals affected with Lynch Syndrome and Breast Cancer (Lu_2015, Shirts_2015, Tung_2016). These report(s) do not provide unequivocal conclusions about association of the variant with Lynch Syndrome. To our knowledge, no experimental evidence demonstrating an impact on protein function has been reported. Multiple ClinVar submissions from clinical diagnostic laboratories (evaluation after 2014) cite the variant as "uncertain significance." Based on the evidence outlined above, the variant was classified as uncertain significance.

University of Washington Department of Laboratory Medicine, University of Washington
Classification: Uncertain significance for Hereditary nonpolyposis colon cancer. Last evaluated: 2015-11-20. Review status: criteria provided, single submitter. Criteria: Shirts et al. (Genet Med 2016). Collection method: clinical testing. Allele origin: germline. Observed: 1 variant allele.

Counsyl
Classification: Uncertain significance for Lynch syndrome 5. Last evaluated: 2016-11-01. Review status: no assertion criteria provided. Collection method: clinical testing. Allele origin: unknown. Not counted in ClinVar's aggregate classification.

Literature cited by the submitters: PubMed 27363726 (cited by Myriad Genetics, Inc.); PubMed 31391288 (cited by 4 submitters); PubMed 29684080 (cited by 3 submitters); PubMed 27153395 (cited by Quest Diagnostics Nichols Institute San Juan Capistrano and Ambry Genetics); PubMed 26976419 (cited by 6 submitters); PubMed 26845104 (cited by 5 submitters); PubMed 26689913 (cited by Quest Diagnostics Nichols Institute San Juan Capistrano and Women's Health and Genetics/Laboratory Corporation of America, LabCorp); PubMed 23621914 (cited by Women's Health and Genetics/Laboratory Corporation of America, LabCorp and Counsyl); PubMed 22949387 (cited by Counsyl).